The following is an entry in ClinVar:

ClinVar aggregate classification (germline): Uncertain significance (1 of 4 stars; one submission).

Submission:

Labcorp Genetics (formerly Invitae), Labcorp
Classification: Uncertain significance. Last evaluated: 2024-07-30. Review status: criteria provided, single submitter. Criteria: Invitae Variant Classification Sherloc (09022015). Collection method: clinical testing. Allele origin: germline.
Comment: This sequence change creates a premature translational stop signal (p.Trp1185*) in the ROBO2 gene. It is expected to result in an absent or disrupted protein product. However, the current clinical and genetic evidence is not sufficient to establish whether loss-of-function variants in ROBO2 cause disease. This variant is not present in population databases (gnomAD no frequency). This variant has not been reported in the literature in individuals affected with ROBO2-related conditions. Algorithms developed to predict the effect of sequence changes on RNA splicing suggest that this variant may disrupt the consensus splice site. In summary, the available evidence is currently insufficient to determine the role of this variant in disease. Therefore, it has been classified as a Variant of Uncertain Significance.

NM_001395656.1(ROBO2):c.3566G>A (p.Trp1189Ter)

Gene: ROBO2 (roundabout guidance receptor 2; plus strand). Cytogenetic location: 3p12.3.
Variant type: single nucleotide variant.
Coding change: c.3566G>A on transcript NM_001395656.1 (MANE Select); coding-DNA position 3566, G replaced by A.
Protein change: p.Trp1189Ter; replaces tryptophan 1189 with a stop codon.
Molecular consequence: nonsense.
Genome position (GRCh38, 1-based): chr3:77,617,773, G>A. VCF-style: chr3-77617773-G-A. GRCh37 (hg19) VCF-style: chr3-77666924-G-A.
Other names: c.3602G>A, p.Trp1201Ter (NM_001128929.3); c.3566G>A, p.Trp1189Ter (NM_001290039.2, NM_001290040.2); c.1775G>A, p.Trp592Ter (NM_001290065.2); c.3614G>A, p.Trp1205Ter (NM_001378190.1, NM_001378200.1, NM_001378201.1 and 1 more transcripts); c.3740G>A, p.Trp1247Ter (NM_001378191.1, NM_001378195.1, NM_001378196.1); c.3635G>A, p.Trp1212Ter (NM_001378192.1, NM_001378198.1, NM_001378199.1); c.3554G>A, p.Trp1185Ter (NM_001378193.1, NM_002942.5); c.3752G>A, p.Trp1251Ter (NM_001378194.1); and 5 more; short protein forms W1205*, W1227*, W1251*, W1189*, W1208*, W1212*, W1250*, W592*.
Identifiers: ClinVar variation 3631672 (VCV003631672.2).